The following is an entry in ClinVar:

NM_016120.4(RLIM):c.1745A>G (p.Lys582Arg)

Gene: RLIM (ring finger protein, LIM domain interacting; minus strand). Cytogenetic location: Xq13.2.
Variant type: single nucleotide variant.
Coding change: c.1745A>G on transcript NM_016120.4 (MANE Select); coding-DNA position 1745, A replaced by G.
Protein change: p.Lys582Arg; replaces lysine 582 with arginine.
Molecular consequence: missense variant.
Genome position (GRCh38, 1-based): chrX:74,591,570, T>C on the plus strand (A>G on the coding strand, the complement: RLIM is on the minus strand). VCF-style: chrX-74591570-T-C. GRCh37 (hg19) VCF-style: chrX-73811405-T-C.
Other names: c.1745A>G, p.Lys582Arg (NM_183353.3); short protein forms K582R.
Identifiers: ClinVar variation 4086305 (VCV004086305.1).

ClinVar aggregate classification (germline): Uncertain significance (1 of 4 stars; one submission).

Submission:

GeneDx
Classification: Uncertain significance. Last evaluated: 2025-03-20. Review status: criteria provided, single submitter. Criteria: GeneDx Variant Classification Process June 2021. Collection method: clinical testing. Allele origin: germline. Affected: yes.
Comment: Not observed at significant frequency in large population cohorts (gnomAD); In silico analysis indicates that this missense variant does not alter protein structure/function; Has not been previously published as pathogenic or benign to our knowledge